The following is an entry in ClinVar:

ClinVar aggregate classification (germline): Likely pathogenic (0 of 4 stars; one submission).

Conditions:
Hyperekplexia 4. Identifiers: MedGen C4693933, MONDO:0044330, OMIM 618011.

Submission:

Solve-RD Consortium
Classification: Likely pathogenic for Hyperekplexia 4. Last evaluated: 2024-06-01. Review status: no assertion criteria provided. Collection method: provider interpretation. Allele origin: germline. Affected: yes.
Comment: This CNV was confirmed by the submitting clinician to impact a gene that corresponds with the phenotype of the affected individual, and thus deemed to be causative for their condition.

Literature cited by the submitters: PubMed 39825153.

GRCh37/hg19 10q23.31(chr10:89549991-89550223)x0

Gene: ATAD1 (ATPase family AAA domain containing 1; minus strand). Cytogenetic location: 10q23.31.
Variant type: copy number loss.
Change: copy number 0 (both copies lost) of chr10:89,549,991-89,550,223 (0.2 kb, GRCh37 coordinates, 1-based), cytogenetic band 10q23.31.
Identifiers: ClinVar variation 3338448 (VCV003338448.1).